The following is an entry in ClinVar:

ClinVar aggregate classification (germline): Uncertain significance. Review status: criteria provided, multiple submitters, no conflicts (2 of 4 stars). 2 submissions from 2 submitters: Uncertain significance (2). Last evaluated 2022-06-15.

Conditions:
Inborn genetic diseases. Identifiers: MedGen C0950123, MeSH D030342.
MEGF8-related Carpenter syndrome. Also called: Carpenter syndrome 2. Identifiers: Orphanet 65759, MedGen C3554247, MONDO:0013998, OMIM 614976.

Allele frequency attached by ClinVar (database versions not stated): ExAC 0.00003; gnomAD 0.00005; TOPMed 0.00006; 1000 Genomes Project 30x 0.00016; 1000 Genomes Project 0.00020.
gnomAD v4.1: 34 of 1,613,750 alleles (0.0021%); highest among the groups gnomAD compares: Middle Eastern, 0.033%; no homozygotes.

Submissions (2):

Labcorp Genetics (formerly Invitae), Labcorp
Classification: Uncertain significance for MEGF8-related Carpenter syndrome. Last evaluated: 2022-06-15. Review status: criteria provided, single submitter. Criteria: Invitae Variant Classification Sherloc (09022015). Collection method: clinical testing. Allele origin: germline.
Comment: This sequence change replaces arginine, which is basic and polar, with histidine, which is basic and polar, at codon 138 of the MEGF8 protein (p.Arg138His). This variant is present in population databases (rs551896120, gnomAD 0.03%). This variant has not been reported in the literature in individuals affected with MEGF8-related conditions. Algorithms developed to predict the effect of missense changes on protein structure and function output the following: SIFT: "Tolerated"; PolyPhen-2: "Benign"; Align-GVGD: "Class C0". The histidine amino acid residue is found in multiple mammalian species, which suggests that this missense change does not adversely affect protein function. In summary, the available evidence is currently insufficient to determine the role of this variant in disease. Therefore, it has been classified as a Variant of Uncertain Significance.

Ambry Genetics
Classification: Uncertain significance for Inborn genetic diseases. Last evaluated: 2021-09-16. Review status: criteria provided, single submitter. Criteria: Ambry Variant Classification Scheme 2023. Collection method: clinical testing. Allele origin: germline.

NM_001271938.2(MEGF8):c.413G>A (p.Arg138His)

Gene: MEGF8 (multiple EGF like domains 8; plus strand). Cytogenetic location: 19q13.2.
Variant type: single nucleotide variant.
Coding change: c.413G>A on transcript NM_001271938.2 (MANE Select); coding-DNA position 413, G replaced by A.
Protein change: p.Arg138His; replaces arginine 138 with histidine.
Molecular consequence: missense variant.
Genome position (GRCh38, 1-based): chr19:42,334,068, G>A. VCF-style: chr19-42334068-G-A. GRCh37 (hg19) VCF-style: chr19-42838220-G-A.
Other names: c.413G>A, p.Arg138His (NM_001410.3); short protein forms R138H.
Identifiers: ClinVar variation 2062496 (VCV002062496.2), dbSNP rs551896120, ClinGen allele CA9474169.
Genomic context (GRCh38, chr19:42,334,068, plus strand): 5'-TGCTGCTGCACCTCTTCAGTGATGCCAACTACAACCTGCTGGGCTTTAACGCCTCATTCC[G>A]CTTCTCCCTGTGCCCGGGTGGCTGCCAGAGCCACGGGCAGTGCCAGCCACCGGGTGTGTG-3'
Protein context (NP_001258867.1, residues 128-148): YNLLGFNASF[Arg138His]FSLCPGGCQS